The following is an entry in ClinVar:

NM_001253697.2(ERBIN):c.2002G>T (p.Val668Phe)

Gene: ERBIN (erbb2 interacting protein; plus strand). Cytogenetic location: 5q12.3.
Variant type: single nucleotide variant.
Coding change: c.2002G>T on transcript NM_001253697.2 (MANE Select); coding-DNA position 2002, G replaced by T.
Protein change: p.Val668Phe; replaces valine 668 with phenylalanine.
Molecular consequence: missense variant.
Genome position (GRCh38, 1-based): chr5:66,050,881, G>T. VCF-style: chr5-66050881-G-T. GRCh37 (hg19) VCF-style: chr5-65346709-G-T.
Other names: c.2002G>T, p.Val668Phe (NM_001006600.3, NM_001253698.2, NM_001253699.2 and 1 more transcripts); c.1990G>T, p.Val664Phe (NM_001253701.2); short protein forms V668F, V664F.
Identifiers: ClinVar variation 3014139 (VCV003014139.3), dbSNP rs1320962102, ClinGen allele CA359863918.
Genomic context (GRCh38, chr5:66,050,881, plus strand): 5'-ACACACAATAGCAATCAGAATAACAGCAATTGTTCTTCTCCATCTCGGATGTCTGATTCA[G>T]TTTCTCTTAATACTGATAGTAGTCAAGACACCTCACTCTGCTCTCCAGTGAAACAAACTC-3'
Protein context (NP_001240626.1, residues 658-678): CSSPSRMSDS[Val668Phe]SLNTDSSQDT

ClinVar aggregate classification (germline): Uncertain significance (1 of 4 stars; one submission).

Allele frequency attached by ClinVar (database versions not stated): gnomAD exomes below 0.00001; TOPMed below 0.00001.
gnomAD v4.1: 1 of 1,605,496 alleles (0.000062%); highest among the groups gnomAD compares: Non-Finnish European, 0.000085%; no homozygotes.

Submission:

Labcorp Genetics (formerly Invitae), Labcorp
Classification: Uncertain significance. Last evaluated: 2025-09-01. Review status: criteria provided, single submitter. Criteria: Invitae Variant Classification Sherloc (09022015). Collection method: clinical testing. Allele origin: germline.
Comment: This sequence change replaces valine, which is neutral and non-polar, with phenylalanine, which is neutral and non-polar, at codon 668 of the ERBIN protein (p.Val668Phe). This variant is not present in population databases (gnomAD no frequency). This variant has not been reported in the literature in individuals affected with ERBIN-related conditions. ClinVar contains an entry for this variant (Variation ID: 3014139). An algorithm developed to predict the effect of missense changes on protein structure and function (PolyPhen-2) suggests that this variant is likely to be disruptive. In summary, the available evidence is currently insufficient to determine the role of this variant in disease. Therefore, it has been classified as a Variant of Uncertain Significance.